The following is an entry in ClinVar:

NM_001040151.2(SCN3B):c.50A>G (p.Tyr17Cys)

Gene: SCN3B (sodium voltage-gated channel beta subunit 3; minus strand). Cytogenetic location: 11q24.1.
Variant type: single nucleotide variant.
Coding change: c.50A>G on transcript NM_001040151.2 (MANE Select); coding-DNA position 50, A replaced by G.
Protein change: p.Tyr17Cys; replaces tyrosine 17 with cysteine.
Molecular consequence: missense variant.
Genome position (GRCh38, 1-based): chr11:123,653,752, T>C on the plus strand (A>G on the coding strand, the complement: SCN3B is on the minus strand). VCF-style: chr11-123653752-T-C. GRCh37 (hg19) VCF-style: chr11-123524460-T-C.
Other names: c.50A>G, p.Tyr17Cys (NM_018400.4); short protein forms Y17C.
Identifiers: ClinVar variation 1963606 (VCV001963606.5), dbSNP rs1361225362, ClinGen allele CA383073320.
Genomic context (GRCh38, chr11:123,653,752, plus strand): 5'-TTGTTAGCATTGTTACTGTTACCTGCATCCGGCATGGCGAGGTGCTGGTACTTACCCCAG[T>C]AGATAAGCACGAGAGAAGCCAGGGGAAACAATCTATTGAAGGCAGGCATCTTCTGGGGCT-3'
Protein context (NP_001035241.1, residues 7-27): LFPLASLVLI[Tyr17Cys]WVSVCFPVCV

ClinVar aggregate classification (germline): Uncertain significance (1 of 4 stars; one submission).

Conditions:
Brugada syndrome 7 (BRGDA7). Identifiers: Orphanet 130, MedGen C2751088, MONDO:0013146, OMIM 613120.

Allele frequency attached by ClinVar (database versions not stated): TOPMed below 0.00001; gnomAD 0.00001; gnomAD exomes below 0.00001.
gnomAD v4.1: 6 of 1,614,066 alleles (0.00037%); highest among the groups gnomAD compares: South Asian, 0.0022%; no homozygotes.

Submission:

Labcorp Genetics (formerly Invitae), Labcorp
Classification: Uncertain significance for Brugada syndrome 7. Last evaluated: 2025-02-05. Review status: criteria provided, single submitter. Criteria: Invitae Variant Classification Sherloc (09022015). Collection method: clinical testing. Allele origin: germline.
Comment: This sequence change replaces tyrosine, which is neutral and polar, with cysteine, which is neutral and slightly polar, at codon 17 of the SCN3B protein (p.Tyr17Cys). This variant is present in population databases (no rsID available, gnomAD 0.003%). This variant has not been reported in the literature in individuals affected with SCN3B-related conditions. ClinVar contains an entry for this variant (Variation ID: 1963606). An algorithm developed to predict the effect of missense changes on protein structure and function outputs the following: PolyPhen-2: "Benign". The cysteine amino acid residue is found in multiple mammalian species, which suggests that this missense change does not adversely affect protein function. In summary, the available evidence is currently insufficient to determine the role of this variant in disease. Therefore, it has been classified as a Variant of Uncertain Significance.